The following is an entry in ClinVar:

ClinVar aggregate classification (germline): Uncertain significance. Review status: criteria provided, multiple submitters, no conflicts (2 of 4 stars). 2 submissions from 2 submitters: Uncertain significance (2). Last evaluated 2025-06-29.

Conditions:
Inborn genetic diseases. Identifiers: MedGen C0950123, MeSH D030342.

Allele frequency attached by ClinVar (database versions not stated): ExAC 0.00001; gnomAD 0.00003; TOPMed 0.00003.
gnomAD v4.1: 134 of 1,614,108 alleles (0.0083%); highest among the groups gnomAD compares: Non-Finnish European, 0.011%; no homozygotes.

Submissions (2):

Ambry Genetics
Classification: Uncertain significance for Inborn genetic diseases. Last evaluated: 2025-06-29. Review status: criteria provided, single submitter. Criteria: Ambry Variant Classification Scheme 2023. Collection method: clinical testing. Allele origin: germline.

Labcorp Genetics (formerly Invitae), Labcorp
Classification: Uncertain significance. Last evaluated: 2024-05-06. Review status: criteria provided, single submitter. Criteria: Invitae Variant Classification Sherloc (09022015). Collection method: clinical testing. Allele origin: germline.
Comment: This sequence change replaces methionine, which is neutral and non-polar, with isoleucine, which is neutral and non-polar, at codon 67 of the RIPK1 protein (p.Met67Ile). This variant is present in population databases (rs775650400, gnomAD 0.002%). This variant has not been reported in the literature in individuals affected with RIPK1-related conditions. An algorithm developed to predict the effect of missense changes on protein structure and function (PolyPhen-2) suggests that this variant is likely to be disruptive. In summary, the available evidence is currently insufficient to determine the role of this variant in disease. Therefore, it has been classified as a Variant of Uncertain Significance.

NM_001354930.2(RIPK1):c.201G>T (p.Met67Ile)

Gene: RIPK1 (receptor interacting serine/threonine kinase 1; plus strand). Cytogenetic location: 6p25.2.
Variant type: single nucleotide variant.
Coding change: c.201G>T on transcript NM_001354930.2 (MANE Select); coding-DNA position 201, G replaced by T.
Protein change: p.Met67Ile; replaces methionine 67 with isoleucine.
Molecular consequence: missense variant. On other transcripts: 5 prime UTR variant (4).
Genome position (GRCh38, 1-based): chr6:3,077,815, G>T. VCF-style: chr6-3077815-G-T. GRCh37 (hg19) VCF-style: chr6-3078049-G-T.
Other names: c.-403G>T (NM_001354932.2, NM_001354933.2, NM_001354934.2 and 1 more transcripts); c.201G>T, p.Met67Ile (NM_003804.6, NM_001354931.2); c.201G>T (NM_003804.3); short protein forms M67I.
Identifiers: ClinVar variation 2737644 (VCV002737644.4), dbSNP rs775650400, ClinGen allele CA3618116.